The following is an entry in ClinVar:

ClinVar aggregate classification (germline): Uncertain significance (1 of 4 stars; one submission).

Conditions:
Menkes kinky-hair syndrome (MNK). Also called: Copper transport disease; Menkes Disease; Classic Menkes Disease. Identifiers: Orphanet 565, MedGen C0022716, MONDO:0010651, OMIM 309400.
Cutis laxa, X-linked (OHS). Also called: EDS IX; Occipital horn syndrome. Identifiers: Orphanet 198, MedGen C0268353, MONDO:0010572, OMIM 304150.
X-linked distal spinal muscular atrophy type 3. Also called: ATP7A-Related Distal Motor Neuropathy; SPINAL MUSCULAR ATROPHY, DISTAL, X-LINKED RECESSIVE; NEURONOPATHY, DISTAL HEREDITARY MOTOR, X-LINKED; NEUROPATHY, DISTAL HEREDITARY MOTOR, X-LINKED. Identifiers: Orphanet 139557, MedGen C1845359, MONDO:0010338, OMIM 300489.

Submission:

Labcorp Genetics (formerly Invitae), Labcorp
Classification: Uncertain significance for X-linked distal spinal muscular atrophy type 3; Cutis laxa, X-linked; Menkes kinky-hair syndrome. Last evaluated: 2022-11-12. Review status: criteria provided, single submitter. Criteria: Invitae Variant Classification Sherloc (09022015). Collection method: clinical testing. Allele origin: germline.
Comment: This variant is not present in population databases (gnomAD no frequency). This sequence change replaces aspartic acid, which is acidic and polar, with valine, which is neutral and non-polar, at codon 1201 of the ATP7A protein (p.Asp1201Val). This variant has not been reported in the literature in individuals affected with ATP7A-related conditions. In summary, the available evidence is currently insufficient to determine the role of this variant in disease. Therefore, it has been classified as a Variant of Uncertain Significance. Advanced modeling of protein sequence and biophysical properties (such as structural, functional, and spatial information, amino acid conservation, physicochemical variation, residue mobility, and thermodynamic stability) performed at Invitae indicates that this missense variant is not expected to disrupt ATP7A protein function.

NM_000052.7(ATP7A):c.3602A>T (p.Asp1201Val)

Gene: ATP7A (ATPase copper transporting alpha; plus strand). Cytogenetic location: Xq21.1.
Variant type: single nucleotide variant.
Coding change: c.3602A>T on transcript NM_000052.7 (MANE Select); coding-DNA position 3602, A replaced by T.
Protein change: p.Asp1201Val; replaces aspartic acid 1201 with valine.
Molecular consequence: missense variant. On other transcripts: non-coding transcript variant (1).
Genome position (GRCh38, 1-based): chrX:78,038,926, A>T. VCF-style: chrX-78038926-A-T. GRCh37 (hg19) VCF-style: chrX-77294424-A-T.
Other names: c.3368A>T, p.Asp1123Val (NM_001282224.2); short protein forms D1201V, D1123V.
Identifiers: ClinVar variation 2941519 (VCV002941519.3), dbSNP rs2522410772, ClinGen allele CA413604543.